The following is an entry in ClinVar:

NM_004385.5(VCAN):c.7636G>T (p.Asp2546Tyr)

Genes: VCAN (versican; plus strand), VCAN-AS1 (VCAN antisense RNA 1; minus strand). Cytogenetic location: 5q14.3.
Variant type: single nucleotide variant.
Coding change: c.7636G>T on transcript NM_004385.5 (MANE Select); coding-DNA position 7636, G replaced by T.
Protein change: p.Asp2546Tyr; replaces aspartic acid 2546 with tyrosine.
Molecular consequence: missense variant. On other transcripts: intron variant (2).
Genome position (GRCh38, 1-based): chr5:83,540,639, G>T. VCF-style: chr5-83540639-G-T. GRCh37 (hg19) VCF-style: chr5-82836458-G-T.
Other names: c.4675G>T, p.Asp1559Tyr (NM_001164097.2); c.4004-4898G>T (NM_001164098.2); c.1043-4898G>T (NM_001126336.3); short protein forms D1559Y, D2546Y.
Identifiers: ClinVar variation 1910983 (VCV001910983.6), dbSNP rs376041406, ClinGen allele CA3333675.

ClinVar aggregate classification (germline): Uncertain significance. Review status: criteria provided, multiple submitters, no conflicts (2 of 4 stars). 2 submissions from 2 submitters: Uncertain significance (2). Last evaluated 2024-04-22.

Allele frequency attached by ClinVar (database versions not stated): ExAC 0.00001; gnomAD 0.00001; gnomAD exomes 0.00001; TOPMed 0.00002; ESP Exome Variant Server 0.00008.
gnomAD v4.1: 11 of 1,613,638 alleles (0.00068%); highest among the groups gnomAD compares: South Asian, 0.0011%; no homozygotes.

Submissions (2):

Labcorp Genetics (formerly Invitae), Labcorp
Classification: Uncertain significance. Last evaluated: 2024-04-22. Review status: criteria provided, single submitter. Criteria: Invitae Variant Classification Sherloc (09022015). Collection method: clinical testing. Allele origin: germline.
Comment: This sequence change replaces aspartic acid, which is acidic and polar, with tyrosine, which is neutral and polar, at codon 2546 of the VCAN protein (p.Asp2546Tyr). This variant is present in population databases (rs376041406, gnomAD 0.0009%). This variant has not been reported in the literature in individuals affected with VCAN-related conditions. ClinVar contains an entry for this variant (Variation ID: 1910983). An algorithm developed to predict the effect of missense changes on protein structure and function (PolyPhen-2) suggests that this variant is likely to be disruptive. In summary, the available evidence is currently insufficient to determine the role of this variant in disease. Therefore, it has been classified as a Variant of Uncertain Significance.

Blueprint Genetics
Classification: Uncertain significance. Last evaluated: 2019-06-24. Review status: criteria provided, single submitter. Criteria: ACMG Guidelines, 2015. Collection method: clinical testing. Allele origin: germline.